The following is an entry in ClinVar:

ClinVar aggregate classification (germline): Benign/Likely benign. Review status: criteria provided, multiple submitters, no conflicts (2 of 4 stars). 8 submissions from 8 submitters: Benign (6); Likely benign (1). 1 of the submissions does not count toward it. Last evaluated 2026-01-19.

Conditions:
TJP2-related disorder. Also called: TJP2-related condition.

Allele frequency attached by ClinVar (database versions not stated): gnomAD exomes 0.00072 and 0.00171; ExAC 0.00216; gnomAD 0.00590 and 0.00629; ESP Exome Variant Server 0.00600; TOPMed 0.00609; 1000 Genomes Project 0.00978; 1000 Genomes Project 30x 0.01077.
gnomAD v4.1: 1,972 of 1,614,060 alleles (0.12%); highest among the groups gnomAD compares: African/African-American, 2%; 9 homozygotes.

Submissions (8):

Labcorp Genetics (formerly Invitae), Labcorp
Classification: Benign. Last evaluated: 2026-01-19. Review status: criteria provided, single submitter. Criteria: Invitae Variant Classification Sherloc (09022015). Collection method: clinical testing. Allele origin: germline.

Mayo Clinic Laboratories, Mayo Clinic
Classification: Benign. Last evaluated: 2025-02-14. Review status: criteria provided, single submitter. Criteria: ACMG Guidelines, 2015. Collection method: clinical testing. Allele origin: germline. Observed: 3 variant alleles.
Comment: BA1, BP4_moderate

Blueprint Genetics
Classification: Likely benign. Last evaluated: 2024-10-25. Review status: criteria provided, single submitter. Criteria: ACMG Guidelines, 2015. Collection method: clinical testing. Allele origin: germline.

Athena Diagnostics
Classification: Benign. Last evaluated: 2020-07-10. Review status: criteria provided, single submitter. Criteria: Athena Diagnostics Criteria. Collection method: clinical testing. Allele origin: unknown.

GeneDx
Classification: Benign. Last evaluated: 2019-05-20. Review status: criteria provided, single submitter. Criteria: GeneDx Variant Classification Process June 2021. Collection method: clinical testing. Allele origin: germline. Affected: yes.

Laboratory for Molecular Medicine, Mass General Brigham Personalized Medicine
Classification: Benign. Last evaluated: 2012-05-07. Review status: criteria provided, single submitter. Criteria: LMM Criteria. Collection method: clinical testing. Allele origin: germline. Observed: 2 variant alleles.
Comment: Thr341Met in Exon 08 of TJP2: This variant is not expected to have clinical sign ificance because it has been identified in 1.8% (66/3736) of African American ch romosomes from a broad population by the NHLBI Exome Sequencing Project (dbSNP rs77321498).

Breakthrough Genomics
Classification: Benign. Review status: criteria provided, single submitter. Criteria: ACMG Guidelines, 2015. Collection method: not provided. Allele origin: germline. Inheritance: Autosomal recessive inheritance. Affected: yes.

PreventionGenetics, part of Exact Sciences
Classification: Benign for TJP2-related condition. Last evaluated: 2019-06-07. Review status: no assertion criteria provided. Collection method: clinical testing. Allele origin: germline. Not counted in ClinVar's aggregate classification.
Comment: This variant is classified as benign based on ACMG/AMP sequence variant interpretation guidelines (Richards et al. 2015 PMID: 25741868, with internal and published modifications).

NM_004817.4(TJP2):c.1091C>T (p.Thr364Met)

Gene: TJP2 (tight junction protein 2; plus strand). Cytogenetic location: 9q21.11.
Variant type: single nucleotide variant.
Coding change: c.1091C>T on transcript NM_004817.4 (MANE Select); coding-DNA position 1091, C replaced by T.
Protein change: p.Thr364Met; replaces threonine 364 with methionine.
Molecular consequence: missense variant.
Genome position (GRCh38, 1-based): chr9:69,226,056, C>T. VCF-style: chr9-69226056-C-T. GRCh37 (hg19) VCF-style: chr9-71840972-C-T.
Other names: p.Thr364Met; c.1022C>T, p.Thr341Met (NM_001170414.2, NM_001369870.1, NM_001369871.1); c.1103C>T, p.Thr368Met (NM_001170415.1, NM_001369874.1, NM_001369875.1); c.1184C>T, p.Thr395Met (NM_001170416.2); c.1091C>T, p.Thr364Met (NM_001369872.1, NM_001369873.1, NM_201629.3); short protein forms T341M, T364M, T368M, T395M.
Identifiers: ClinVar variation 178639 (VCV000178639.22), dbSNP rs77321498, ClinGen allele CA182713.